The following is an entry in ClinVar:

NM_004758.4(TSPOAP1):c.4942G>A (p.Gly1648Arg)

Gene: TSPOAP1 (TSPO associated protein 1; minus strand). Cytogenetic location: 17q22.
Variant type: single nucleotide variant.
Coding change: c.4942G>A on transcript NM_004758.4 (MANE Select); coding-DNA position 4942, G replaced by A.
Protein change: p.Gly1648Arg; replaces glycine 1648 with arginine.
Molecular consequence: missense variant.
Genome position (GRCh38, 1-based): chr17:58,307,652, C>T on the plus strand (G>A on the coding strand, the complement: TSPOAP1 is on the minus strand). VCF-style: chr17-58307652-C-T. GRCh37 (hg19) VCF-style: chr17-56385013-C-T.
Other names: c.4942G>A, p.Gly1648Arg (NM_001261835.2); c.4762G>A, p.Gly1588Arg (NM_024418.3); short protein forms G1588R, G1648R.
Identifiers: ClinVar variation 3730911 (VCV003730911.1).

ClinVar aggregate classification (germline): Uncertain significance (1 of 4 stars; one submission).

Submission:

GeneDx
Classification: Uncertain significance. Last evaluated: 2023-10-26. Review status: criteria provided, single submitter. Criteria: GeneDx Variant Classification Process June 2021. Collection method: clinical testing. Allele origin: germline. Affected: yes.
Comment: Not observed at significant frequency in large population cohorts (gnomAD); In silico analysis supports that this missense variant has a deleterious effect on protein structure/function; Has not been previously published as pathogenic or benign to our knowledge; Variants in candidate genes are classified as variants of uncertain significance in accordance with ACMG guidelines (PMID: 25741868)